The following is an entry in ClinVar:

NM_005045.4(RELN):c.4100A>C (p.Glu1367Ala)

Gene: RELN (reelin; minus strand). Cytogenetic location: 7q22.1.
Variant type: single nucleotide variant.
Coding change: c.4100A>C on transcript NM_005045.4 (MANE Select); coding-DNA position 4100, A replaced by C.
Protein change: p.Glu1367Ala; replaces glutamic acid 1367 with alanine.
Molecular consequence: missense variant.
Genome position (GRCh38, 1-based): chr7:103,589,641, T>G on the plus strand (A>C on the coding strand, the complement: RELN is on the minus strand). VCF-style: chr7-103589641-T-G. GRCh37 (hg19) VCF-style: chr7-103230088-T-G.
Other names: c.4100A>C, p.Glu1367Ala (NM_173054.3); short protein forms E1367A.
Identifiers: ClinVar variation 3752234 (VCV003752234.2).
Genomic context (GRCh38, chr7:103,589,641, plus strand): 5'-GAATGATTACTTTACCTGGATGCAAGAGACCTTGGAATAACAATGGTGATTCTTGTCCAT[T>G]CTTCAAAGTCCCCTGTGTGATACATGGTGGGCTCACTTAGTTCTCTGGAGTTTCCTTCGC-3'
Protein context (NP_005036.2, residues 1357-1377): PTMYHTGDFE[Glu1367Ala]WTRITIVIPR

ClinVar aggregate classification (germline): Uncertain significance (1 of 4 stars; one submission).

Conditions:
Familial temporal lobe epilepsy 7. Identifiers: Orphanet 101046, MedGen C4225327, MONDO:0014639, OMIM 616436.
Norman-Roberts syndrome (LIS2). Also called: Lissencephaly 2 (Norman-Roberts type). Identifiers: Orphanet 89844, MedGen C0796089, MONDO:0009760, OMIM 257320.

gnomAD v4.1: 1 of 1,614,080 alleles (0.000062%); highest among the groups gnomAD compares: African/African-American, 0.0013%; no homozygotes.

Submission:

Labcorp Genetics (formerly Invitae), Labcorp
Classification: Uncertain significance for Familial temporal lobe epilepsy 7; Norman-Roberts syndrome. Last evaluated: 2024-11-07. Review status: criteria provided, single submitter. Criteria: Invitae Variant Classification Sherloc (09022015). Collection method: clinical testing. Allele origin: germline.
Comment: This sequence change replaces glutamic acid, which is acidic and polar, with alanine, which is neutral and non-polar, at codon 1367 of the RELN protein (p.Glu1367Ala). This variant is not present in population databases (gnomAD no frequency). This variant has not been reported in the literature in individuals affected with RELN-related conditions. Invitae Evidence Modeling of protein sequence and biophysical properties (such as structural, functional, and spatial information, amino acid conservation, physicochemical variation, residue mobility, and thermodynamic stability) indicates that this missense variant is not expected to disrupt RELN protein function with a negative predictive value of 80%. In summary, the available evidence is currently insufficient to determine the role of this variant in disease. Therefore, it has been classified as a Variant of Uncertain Significance.